The following is an entry in ClinVar:

NM_006901.4(MYO9A):c.4332A>G (p.Leu1444=)

Gene: MYO9A (myosin IXA; minus strand). Cytogenetic location: 15q23.
Variant type: single nucleotide variant.
Coding change: c.4332A>G on transcript NM_006901.4 (MANE Select); coding-DNA position 4332, A replaced by G.
Protein change: p.Leu1444=; no amino-acid change (leucine 1444 retained).
Molecular consequence: synonymous variant.
Genome position (GRCh38, 1-based): chr15:71,898,171, T>C on the plus strand (A>G on the coding strand, the complement: MYO9A is on the minus strand). VCF-style: chr15-71898171-T-C. GRCh37 (hg19) VCF-style: chr15-72190512-T-C.
Identifiers: ClinVar variation 2645507 (VCV002645507.24), dbSNP rs543098441, ClinGen allele CA7641424.
Genomic context (GRCh38, chr15:71,898,171, plus strand): 5'-TCTAGTTTCCCTGTTGATATCCAAAGTAAGAGCTTCCCCCGCTGTGTCTTCATTTTCCAA[T>C]AGTTTGTTTCTTTGGATACTTGTGTCTAGTTGGGAATTTGTTTTCAGTGGGTCTTGTTGG-3'
Protein context (NP_008832.2, residues 1434-1454): QLDTSIQRNK[Leu1444=]LENEDTAGEA

ClinVar aggregate classification (germline): Likely benign (1 of 4 stars; one submission).

gnomAD v4.1: 15 of 1,614,044 alleles (0.00093%); highest among the groups gnomAD compares: Middle Eastern, 0.016%; no homozygotes.

Submission:

CeGaT Center for Human Genetics Tuebingen
Classification: Likely benign. Last evaluated: 2023-01-01. Review status: criteria provided, single submitter. Criteria: CeGaT Center For Human Genetics Tuebingen Variant Classification Criteria Version 2. Collection method: clinical testing. Allele origin: germline. Affected: yes. Observed: 1 variant allele.
Comment: MYO9A: BP4, BP7